The following is an entry in ClinVar:

NM_001267550.2(TTN):c.101783A>G (p.Gln33928Arg)

Genes: TTN (titin; minus strand), TTN-AS1 (TTN antisense RNA 1; plus strand). Cytogenetic location: 2q31.2.
Variant type: single nucleotide variant.
Coding change: c.101783A>G on transcript NM_001267550.2 (MANE Select); coding-DNA position 101783, A replaced by G.
Protein change: p.Gln33928Arg; replaces glutamine 33928 with arginine.
Molecular consequence: missense variant.
Genome position (GRCh38, 1-based): chr2:178,534,832, T>C on the plus strand (A>G on the coding strand, the complement: TTN is on the minus strand). VCF-style: chr2-178534832-T-C. GRCh37 (hg19) VCF-style: chr2-179399559-T-C.
Other names: p.Gln31360Arg; c.96860A>G, p.Gln32287Arg (NM_001256850.1); c.74588A>G, p.Gln24863Arg (NM_003319.4); c.94079A>G, p.Gln31360Arg (NM_133378.4); c.74963A>G, p.Gln24988Arg (NM_133432.3); c.75164A>G, p.Gln25055Arg (NM_133437.4); short protein forms Q25055R, Q31360R, Q24863R, Q32287R, Q24988R, Q33928R.
Identifiers: ClinVar variation 1758995 (VCV001758995.3), dbSNP rs772264395, ClinGen allele CA1985843.

ClinVar aggregate classification (germline): Uncertain significance. Review status: criteria provided, multiple submitters, no conflicts (2 of 4 stars). 2 submissions from 2 submitters: Uncertain significance (2). Last evaluated 2024-05-07.

Conditions:
Cardiovascular phenotype. Identifiers: MedGen CN230736.

Allele frequency attached by ClinVar (database versions not stated): ExAC 0.00001; gnomAD 0.00001; TOPMed 0.00001; gnomAD exomes 0.00002.
gnomAD v4.1: 11 of 1,609,910 alleles (0.00068%); highest among the groups gnomAD compares: African/African-American, 0.0013%; no homozygotes.

Submissions (2):

Mayo Clinic Laboratories, Mayo Clinic
Classification: Uncertain significance. Last evaluated: 2024-05-07. Review status: criteria provided, single submitter. Criteria: ACMG Guidelines, 2015. Collection method: clinical testing. Allele origin: germline. Observed: 1 variant allele.
Comment: BP4, PM2_moderate

Ambry Genetics
Classification: Uncertain significance for Cardiovascular phenotype. Last evaluated: 2020-09-21. Review status: criteria provided, single submitter. Criteria: Ambry Variant Classification Scheme 2023. Collection method: clinical testing. Allele origin: germline.
Comment: The p.Q24863R variant (also known as c.74588A>G), located in coding exon 185 of the TTN gene, results from an A to G substitution at nucleotide position 74588. The glutamine at codon 24863 is replaced by arginine, an amino acid with highly similar properties. This variant (referred to as p.Q33928R) co-occurred with an MYBPC3 nonsense alteration and additional TTN missense alterations in an individual with restrictive cardiomyopathy (Kostareva A et al. PLoS ONE Sep;11:e0163362). This amino acid position is poorly conserved in available vertebrate species. In addition, this alteration is predicted to be tolerated by in silico analysis. Since supporting evidence is limited at this time, the clinical significance of this alteration remains unclear.

Literature cited by the submitters: PubMed 27662471 (cited by Mayo Clinic Laboratories, Mayo Clinic and Ambry Genetics).